The following is an entry in ClinVar:

NM_175914.5(HNF4A):c.763C>G (p.Gln255Glu)

Gene: HNF4A (hepatocyte nuclear factor 4 alpha; plus strand). Cytogenetic location: 20q13.12.
Variant type: single nucleotide variant.
Coding change: c.763C>G on transcript NM_175914.5 (MANE Select); coding-DNA position 763, C replaced by G.
Protein change: p.Gln255Glu; replaces glutamine 255 with glutamic acid.
Molecular consequence: missense variant.
Genome position (GRCh38, 1-based): chr20:44,419,813, C>G. VCF-style: chr20-44419813-C-G. GRCh37 (hg19) VCF-style: chr20-43048453-C-G.
Other names: NM_175914.5(HNF4A):c.763C>G; p.Gln255Glu; c.829C>G, p.Gln277Glu (NM_000457.6, NM_178849.3, NM_178850.3); c.763C>G, p.Gln255Glu (NM_001030003.3, NM_001030004.3); c.808C>G, p.Gln270Glu (NM_001258355.2); c.754C>G, p.Gln252Glu (NM_001287182.2, NM_001287183.2, NM_001287184.2); short protein forms Q252E, Q255E, Q277E, Q270E.
Identifiers: ClinVar variation 437910 (VCV000437910.2), dbSNP rs137853334, ClinGen allele CA409107507.

ClinVar aggregate classification (germline): Uncertain significance. Review status: reviewed by expert panel (3 of 4 stars). 2 submissions from 2 submitters: Uncertain significance (1). 1 of the submissions does not count toward it. Last evaluated 2024-08-30.

Conditions:
Monogenic diabetes. Identifiers: Orphanet 183625, MedGen C3888631, MONDO:0015967.
Maturity-onset diabetes of the young type 1. Also called: MILD JUVENILE DIABETES MELLITUS; MODY type 1; Diabetes mellitus MODY type 1; MODY HNF4A related; HNF4A-Related Maturity-Onset Diabetes of the Young Type 1; MODY, type I. Identifiers: Orphanet 552, MedGen C1852093, MONDO:0007452, OMIM 125850. Disease mechanism: loss of function.

Submissions (2):

ClinGen Monogenic Diabetes Variant Curation Expert Panel
Classification: Uncertain significance for Monogenic diabetes. Last evaluated: 2024-08-30. Review status: reviewed by expert panel. Criteria: ClinGen Diabetes ACMG Specifications HNF4A V2.0.0. Collection method: curation. Allele origin: germline. Inheritance: Autosomal dominant inheritance.
Comment: The c.763C>G variant in the hepatocyte nuclear factor 4-alpha gene, HNF4A, causes an amino acid change of glutamine to glutamate at codon 255 (p.(Gln255Glu)) of NM_175914.5. This variant is absent in gnomAD v2.1.1 (PM2_Supporting) and is predicted to be deleterious by computational evidence, with a REVEL score of 0.73, which is greater than the MDEP VCEP threshold of 0.70 (PP3). This variant was identified in an individual with diabetes; however, the MODY probability is unable to be calculated due to a lack of clinical information (ClinVar ID: 437910). In summary, c.763C>G meets the criteria to be classified as uncertain significance for monogenic diabetes. ACMG/AMP criteria applied, as specified by the ClinGen MDEP (specification version 2.0.0, approved 10/11/2023): PP3, PM2_Supporting.

Institute of Human Genetics, Cologne University
Classification: Uncertain significance for Maturity-onset diabetes of the young type 1. Review status: no assertion criteria provided. Collection method: clinical testing. Allele origin: unknown. Affected: yes. Observed: 1 variant allele, 1 heterozygote. Not counted in ClinVar's aggregate classification.